The following is an entry in ClinVar:

NM_001385012.1(NBEA):c.6966G>C (p.Trp2322Cys)

Gene: NBEA (neurobeachin; plus strand). Cytogenetic location: 13q13.3.
Variant type: single nucleotide variant.
Coding change: c.6966G>C on transcript NM_001385012.1 (MANE Select); coding-DNA position 6966, G replaced by C.
Protein change: p.Trp2322Cys; replaces tryptophan 2322 with cysteine.
Molecular consequence: missense variant.
Genome position (GRCh38, 1-based): chr13:35,566,948, G>C. VCF-style: chr13-35566948-G-C. GRCh37 (hg19) VCF-style: chr13-36141085-G-C.
Other names: c.345G>C, p.Trp115Cys (NM_001204197.3); c.6957G>C, p.Trp2319Cys (NM_001379245.1); c.6966G>C, p.Trp2322Cys (NM_015678.5); short protein forms W115C, W2319C, W2322C.
Identifiers: ClinVar variation 2505994 (VCV002505994.1), dbSNP rs2549754919, ClinGen allele CA387981275.

ClinVar aggregate classification (germline): Uncertain significance (1 of 4 stars; one submission).

Submission:

GeneDx
Classification: Uncertain significance. Last evaluated: 2022-12-14. Review status: criteria provided, single submitter. Criteria: GeneDx Variant Classification Process June 2021. Collection method: clinical testing. Allele origin: germline. Affected: yes.
Comment: Not observed at significant frequency in large population cohorts (gnomAD); In silico analysis supports that this missense variant has a deleterious effect on protein structure/function; Has not been previously published as pathogenic or benign to our knowledge